The following continues an entry in ClinVar:

NM_001876.4(CPT1A):c.1436C>T (p.Pro479Leu)

Gene: CPT1A. ClinVar aggregate classification (germline): Pathogenic/Likely pathogenic. Pathogenic (9); Likely pathogenic (1).

Submissions 9 to 14 of 14:

Ambry Genetics
Classification: Pathogenic for Inborn genetic diseases. Last evaluated: 2021-08-25. Review status: criteria provided, single submitter. Criteria: Ambry Variant Classification Scheme 2023. Collection method: clinical testing. Allele origin: germline.
Comment: The c.1436C>T (p.P479L) alteration is located in exon 12 (coding exon 11) of the CPT1A gene. This alteration results from a C to T substitution at nucleotide position 1436, causing the proline (P) at amino acid position 479 to be replaced by a leucine (L). Based on data from gnomAD, the T allele has an overall frequency of 0.003% (9/282900) total alleles studied. This mutation is a prevalent mutation in Inuit and Alaska Native populations, commonly identified in the homozygous state (Brown, 2001; Rajakumar, 2009; Greenberg, 2009; Collins, 2010; Clemente, 2014). Some homozygous infants demonstrate impaired fasting intolerance (Gillingham, 2011) and increased risk of infant mortality (Gessner, 2016). CPT1 activity in fibroblasts from homozygous individuals demonstrated reduced activity compared to controls between 2-16% (Brown, 2001; Greenberg, 2009). This alteration is predicted to be deleterious by in silico analysis. Based on the available evidence, this alteration is classified as pathogenic.

Eurofins Ntd Llc (ga)
Classification: Pathogenic. Last evaluated: 2014-06-19. Review status: criteria provided, single submitter. Criteria: EGL Classification Definitions. Collection method: clinical testing. Allele origin: germline. Observed: 7 variant alleles, 7 homozygotes.

Counsyl
Classification: Uncertain significance for Carnitine palmitoyl transferase 1A deficiency. Last evaluated: 2019-07-19. Review status: no assertion criteria provided. Collection method: clinical testing. Allele origin: unknown. Not counted in ClinVar's aggregate classification.

OMIM
Classification: Benign for CPT1A POLYMORPHISM. Last evaluated: 2001-07-01. Review status: no assertion criteria provided. Collection method: literature only. Allele origin: germline. Not counted in ClinVar's aggregate classification.

OMIM
Classification: Pathogenic for CPT1A ARCTIC VARIANT. Last evaluated: 2001-07-01. Review status: no assertion criteria provided. Collection method: literature only. Allele origin: germline. Not counted in ClinVar's aggregate classification.

GeneReviews
No classification provided. Condition: Carnitine palmitoyl transferase 1A deficiency. Review status: no classification provided. Collection method: literature only. Allele origin: germline. Not counted in ClinVar's aggregate classification.
Comment: The p.Pro479Leu variant results in high residual enzyme activity and a detectable protein of normal size and amount on western blot analysis. It is believed that the product of the p.Pro479Leu allele affects malonyl-CoA interaction with CPT1A.

Literature cited by the submitters: PubMed 19217814 (cited by 5 submitters); PubMed 20301700 (cited by Labcorp Genetics (formerly Invitae), Labcorp); PubMed 20696606 (cited by 3 submitters); PubMed 11441142 (cited by 6 submitters); PubMed 21763168 (cited by 3 submitters); PubMed 32088118 (cited by Women's Health and Genetics/Laboratory Corporation of America, LabCorp and OMIM); PubMed 19181627 (cited by 4 submitters); PubMed 32561900 (cited by Women's Health and Genetics/Laboratory Corporation of America, LabCorp); PubMed 26820065 (cited by 3 submitters); PubMed 34131458 (cited by Women's Health and Genetics/Laboratory Corporation of America, LabCorp); PubMed 25449608 (cited by Ambry Genetics and OMIM); PubMed 16958601 (cited by Counsyl); PubMed 28125087 (cited by Counsyl); PubMed 26010953 (cited by Counsyl); PubMed 21253826 (cited by Counsyl); PubMed 23090344 (cited by Counsyl); PubMed 24847810 (cited by OMIM); PubMed 30101502 (cited by OMIM); PubMed 27341449 (cited by OMIM); NCBI Bookshelf NBK1527 (cited by GeneReviews).